The following is an entry in ClinVar:

NM_000168.6(GLI3):c.1927C>T (p.Arg643Ter)

Gene: GLI3 (GLI family zinc finger 3; minus strand). Cytogenetic location: 7p14.1.
Variant type: single nucleotide variant.
Coding change: c.1927C>T on transcript NM_000168.6 (MANE Select); coding-DNA position 1927, C replaced by T.
Protein change: p.Arg643Ter; replaces arginine 643 with a stop codon.
Molecular consequence: nonsense.
Genome position (GRCh38, 1-based): chr7:41,972,513, G>A on the plus strand (C>T on the coding strand, the complement: GLI3 is on the minus strand). VCF-style: chr7-41972513-G-A. GRCh37 (hg19) VCF-style: chr7-42012112-G-A.
Other names: short protein forms R643*.
Identifiers: ClinVar variation 13820 (VCV000013820.29), dbSNP rs121917709, ClinGen allele CA123495.

ClinVar aggregate classification (germline): Pathogenic. Review status: criteria provided, multiple submitters, no conflicts (2 of 4 stars). 4 submissions from 4 submitters: Pathogenic (3). 1 of the submissions does not count toward it. Last evaluated 2023-05-10.

Conditions:
Polydactyly, postaxial, type A1. Identifiers: MedGen C4282400, MONDO:0008266, OMIM 174200.
Polysyndactyly 4. Also called: Polysyndactyly uncomplicated; Preaxial polydactyly 4. Identifiers: Orphanet 93338, MedGen C1868111, MONDO:0008272, OMIM 174700.
Pallister-Hall syndrome (PHS). Also called: GLI3-Related Pallister-Hall Syndrome; HYPOTHALAMIC HAMARTOBLASTOMA, HYPOPITUITARISM, IMPERFORATE ANUS, AND POSTAXIAL POLYDACTYLY. Identifiers: Orphanet 672, MedGen C0265220, MONDO:0007804, OMIM 146510.
Greig cephalopolysyndactyly syndrome (GCPS). Also called: GLI3-Related Greig Cephalopolysyndactyly Syndrome; POLYSYNDACTYLY WITH PECULIAR SKULL SHAPE; Greig syndrome. Identifiers: Orphanet 380, MedGen C0265306, MONDO:0008287, OMIM 175700.
GLI3-related disorder. Also called: GLI3-related disorders; GLI3-related condition. Identifiers: MedGen CN239292.
Postaxial polydactyly, type A1/B. Identifiers: MedGen C4016298.
Abnormality of prenatal development or birth. Identifiers: MedGen C4025797, HP:0001197.

Allele frequency attached by ClinVar (database versions not stated): gnomAD exomes below 0.00001.
gnomAD v4.1: 2 of 1,613,154 alleles (0.00012%); highest among the groups gnomAD compares: East Asian, 0.0022%; no homozygotes.

Submissions (4):

PreventionGenetics, part of Exact Sciences
Classification: Pathogenic for GLI3-related condition. Last evaluated: 2023-05-10. Review status: criteria provided, single submitter. Criteria: ACMG Guidelines, 2015. Collection method: clinical testing. Allele origin: germline.
Comment: The GLI3 c.1927C>T variant is predicted to result in premature protein termination (p.Arg643*). This variant in the heterozygous condition was reported in individuals with postaxial polydactyly (Radhakrishna et al 1999. PubMed ID: 10441570; Kariminejad et al 2020. PubMed ID: 32112393). This variant has not been reported in a large population database, indicating this variant is rare. Nonsense variants in GLI3 are expected to be pathogenic. This variant is interpreted as pathogenic.

Kariminejad - Najmabadi Pathology & Genetics Center
Classification: Pathogenic for Abnormality of prenatal development or birth. Last evaluated: 2021-07-10. Review status: criteria provided, single submitter. Criteria: ACMG Guidelines, 2015. Collection method: clinical testing. Allele origin: germline. Affected: yes.

Juno Genomics, Hangzhou Juno Genomics, Inc
Classification: Pathogenic for Greig cephalopolysyndactyly syndrome; Pallister-Hall syndrome; Polydactyly, postaxial, type A1; Polysyndactyly 4. Review status: criteria provided, single submitter. Criteria: ACMG Guidelines, 2015. Collection method: clinical testing. Allele origin: germline. Affected: yes.
Comment: Absent from controls (or at extremely low frequency if recessive) in Genome Aggregation Database.;Null variant in a gene where loss of function (LOF) is a known mechanism of disease.;The prevalence of the variant in affected individuals is significantly increased compared to the prevalence in controls.;Co-segregation with disease in multiple affected family members.;Patient's phenotype or family history is highly specific for a disease with a single genetic etiology.

OMIM
Classification: Pathogenic for POSTAXIAL POLYDACTYLY, TYPE A1/B. Last evaluated: 1999-09-01. Review status: no assertion criteria provided. Collection method: literature only. Allele origin: germline. Not counted in ClinVar's aggregate classification.

Literature cited by the submitters: PubMed 10441570 (cited by OMIM).